The following is an entry in ClinVar:

NM_031433.4(MFRP):c.772+2T>G

Genes: C1QTNF5 (C1q and TNF related 5; minus strand), MFRP (membrane frizzled-related protein; minus strand). Cytogenetic location: 11q23.3.
Variant type: single nucleotide variant.
Coding change: c.772+2T>G on transcript NM_031433.4 (MANE Select); the canonical splice donor site of the intron after coding-DNA position 772, T replaced by G.
Molecular consequence: splice donor variant.
Genome position (GRCh38, 1-based): chr11:119,344,872, A>C on the plus strand (T>G on the coding strand, the complement: MFRP is on the minus strand). VCF-style: chr11-119344872-A-C. GRCh37 (hg19) VCF-style: chr11-119215582-A-C.
Other names: c.-1865+2T>G (NM_015645.5).
Identifiers: ClinVar variation 968260 (VCV000968260.8), dbSNP rs901701142, ClinGen allele CA229677583.

ClinVar aggregate classification (germline): Likely pathogenic (1 of 4 stars; one submission).

Conditions:
Isolated microphthalmia 5. Also called: Posterior Microphthalmia with Retinitis Pigmentosa, Foveoschisis, and Optic Disc Drusen. Identifiers: Orphanet 251279, MedGen C1970236, MONDO:0012605, OMIM 611040.

Allele frequency attached by ClinVar (database versions not stated): gnomAD exomes below 0.00001; TOPMed 0.00001.
gnomAD v4.1: 5 of 1,613,182 alleles (0.00031%); highest among the groups gnomAD compares: Non-Finnish European, 0.00034%; no homozygotes.

Submission:

Labcorp Genetics (formerly Invitae), Labcorp
Classification: Likely pathogenic for Isolated microphthalmia 5. Last evaluated: 2021-09-09. Review status: criteria provided, single submitter. Criteria: Invitae Variant Classification Sherloc (09022015). Collection method: clinical testing. Allele origin: germline.
Comment: In summary, the currently available evidence indicates that the variant is pathogenic, but additional data are needed to prove that conclusively. Therefore, this variant has been classified as Likely Pathogenic. Algorithms developed to predict the effect of sequence changes on RNA splicing suggest that this variant may disrupt the consensus splice site. Disruption of this splice site has been observed in individual(s) with retinitis pigmentosa (PMID: 25097241). This variant is not present in population databases (ExAC no frequency). This sequence change affects a donor splice site in intron 6 of the MFRP gene. It is expected to disrupt RNA splicing. Variants that disrupt the donor or acceptor splice site typically lead to a loss of protein function (PMID: 16199547), and loss-of-function variants in MFRP are known to be pathogenic (PMID: 12140190, 15976030, 20361016).

Literature cited by the submitters: PubMed 25097241; PubMed 16199547; PubMed 12140190; PubMed 15976030; PubMed 20361016.